The following is an entry in ClinVar:

ClinVar aggregate classification (germline): Uncertain significance (1 of 4 stars; one submission).

Conditions:
Propionic acidemia (PROP). Also called: GLYCINEMIA, KETOTIC; HYPERGLYCINEMIA WITH KETOACIDOSIS AND LEUKOPENIA; KETOTIC HYPERGLYCINEMIA. Identifiers: Orphanet 35, MedGen C0268579, MONDO:0011628, OMIM 606054, HP:0003571.

gnomAD v4.1: 1 of 1,613,936 alleles (0.000062%); no homozygotes.

Submission:

Labcorp Genetics (formerly Invitae), Labcorp
Classification: Uncertain significance for Propionic acidemia. Last evaluated: 2022-05-04. Review status: criteria provided, single submitter. Criteria: Invitae Variant Classification Sherloc (09022015). Collection method: clinical testing. Allele origin: germline.
Comment: This sequence change replaces lysine, which is basic and polar, with threonine, which is neutral and polar, at codon 338 of the PCCB protein (p.Lys338Thr). In summary, the available evidence is currently insufficient to determine the role of this variant in disease. Therefore, it has been classified as a Variant of Uncertain Significance. Algorithms developed to predict the effect of missense changes on protein structure and function are either unavailable or do not agree on the potential impact of this missense change (SIFT: "Deleterious"; PolyPhen-2: "Benign"; Align-GVGD: "Class C25"). This variant has not been reported in the literature in individuals affected with PCCB-related conditions. This variant is present in population databases (no rsID available, gnomAD 0.003%).

NM_000532.5(PCCB):c.1013A>C (p.Lys338Thr)

Gene: PCCB (propionyl-CoA carboxylase subunit beta; plus strand). Cytogenetic location: 3q22.3.
Variant type: single nucleotide variant.
Coding change: c.1013A>C on transcript NM_000532.5 (MANE Select); coding-DNA position 1013, A replaced by C.
Protein change: p.Lys338Thr; replaces lysine 338 with threonine.
Molecular consequence: missense variant.
Genome position (GRCh38, 1-based): chr3:136,316,987, A>C. VCF-style: chr3-136316987-A-C. GRCh37 (hg19) VCF-style: chr3-136035829-A-C.
Other names: c.1073A>C, p.Lys358Thr (NM_001178014.2); short protein forms K358T, K338T.
Identifiers: ClinVar variation 2132531 (VCV002132531.4), dbSNP rs1236102890, ClinGen allele CA354647278.